The following is an entry in ClinVar:

ClinVar aggregate classification (germline): Uncertain significance (1 of 4 stars; one submission).

Conditions:
Inborn genetic diseases. Identifiers: MedGen C0950123, MeSH D030342.

Submission:

Ambry Genetics
Classification: Uncertain significance for Inborn genetic diseases. Last evaluated: 2023-12-01. Review status: criteria provided, single submitter. Criteria: Ambry Variant Classification Scheme 2023. Collection method: clinical testing. Allele origin: germline.
Comment: The p.P465T variant (also known as c.1393C>A), located in coding exon 10 of the EPAS1 gene, results from a C to A substitution at nucleotide position 1393. The proline at codon 465 is replaced by threonine, an amino acid with highly similar properties. This amino acid position is conserved. In addition, this alteration is predicted to be tolerated by in silico analysis. Since supporting evidence is limited at this time, the clinical significance of this alteration remains unclear.

NM_001430.5(EPAS1):c.1393C>A (p.Pro465Thr)

Gene: EPAS1 (endothelial PAS domain protein 1; plus strand). Cytogenetic location: 2p21.
Variant type: single nucleotide variant.
Coding change: c.1393C>A on transcript NM_001430.5 (MANE Select); coding-DNA position 1393, C replaced by A.
Protein change: p.Pro465Thr; replaces proline 465 with threonine.
Molecular consequence: missense variant.
Genome position (GRCh38, 1-based): chr2:46,378,037, C>A. VCF-style: chr2-46378037-C-A. GRCh37 (hg19) VCF-style: chr2-46605176-C-A.
Other names: short protein forms P465T.
Identifiers: ClinVar variation 3221545 (VCV003221545.1), dbSNP rs2546473666, ClinGen allele CA346703987.
Genomic context (GRCh38, chr2:46,378,037, plus strand): 5'-CACAGCACCCAGAGCGAGGCTGGGAGCCTGCCTGCCTTCACCGTGCCCCAGGCAGCTGCC[C>A]CGGGCAGCACCACCCCCAGTGCCACCAGCAGCAGCAGCAGCTGCTCCACGGTGAGCAGCC-3'
Protein context (NP_001421.2, residues 455-475): PAFTVPQAAA[Pro465Thr]GSTTPSATSS